The following is an entry in ClinVar:

NM_000350.3(ABCA4):c.2919-10T>C

Gene: ABCA4 (ATP binding cassette subfamily A member 4; minus strand). Cytogenetic location: 1p22.1.
Variant type: single nucleotide variant.
Coding change: c.2919-10T>C on transcript NM_000350.3 (MANE Select); 10 bases into the intron before coding-DNA position 2919, T replaced by C.
Molecular consequence: intron variant.
Genome position (GRCh38, 1-based): chr1:94,044,754, A>G on the plus strand (T>C on the coding strand, the complement: ABCA4 is on the minus strand). VCF-style: chr1-94044754-A-G. GRCh37 (hg19) VCF-style: chr1-94510310-A-G.
Identifiers: ClinVar variation 236097 (VCV000236097.10), dbSNP rs886044733, ClinGen allele CA10602441.

ClinVar aggregate classification (germline): Conflicting classifications of pathogenicity. Review status: criteria provided, conflicting classifications (1 of 4 stars). 4 submissions from 3 submitters: Likely pathogenic (1); Uncertain significance (3). Last evaluated 2023-06-01.

Conditions:
ABCA4-related disorder. Also called: ABCA4-related condition; ABCA4-related disorders. Identifiers: MedGen CN239167.
Retinal dystrophy. Also called: Inherited retinal dystrophy. Identifiers: Orphanet 71862, MedGen C0854723, MeSH D058499, MONDO:0019118, HP:0000556.
Severe early-childhood-onset retinal dystrophy (STGD1). Also called: Stargardt macular dystrophy; Juvenile onset macular degeneration; Stargardt disease 1; STGD; MACULAR DYSTROPHY WITH FLECKS, TYPE 1. Identifiers: Orphanet 364055, Orphanet 827, MedGen C1855465, MeSH D000080362, MONDO:0009549, OMIM 248200.

Allele frequency attached by ClinVar (database versions not stated): TOPMed 0.00001; gnomAD exomes below 0.00001; gnomAD 0.00001.
gnomAD v4.1: 9 of 1,614,094 alleles (0.00056%); highest among the groups gnomAD compares: Non-Finnish European, 0.00076%; no homozygotes.

Submissions (4):

Labcorp Genetics (formerly Invitae), Labcorp
Classification: Likely pathogenic. Last evaluated: 2023-06-01. Review status: criteria provided, single submitter. Criteria: Invitae Variant Classification Sherloc (09022015). Collection method: clinical testing. Allele origin: germline.
Comment: Studies have shown that this variant is associated with altered splicing resulting in multiple RNA products (PMID: 29162642). ClinVar contains an entry for this variant (Variation ID: 236097). In summary, the currently available evidence indicates that the variant is pathogenic, but additional data are needed to prove that conclusively. Therefore, this variant has been classified as Likely Pathogenic. This variant has been observed in individual(s) with Stargardt Disease (PMID: 28118664). This variant is present in population databases (no rsID available, gnomAD 0.0009%). This sequence change falls in intron 19 of the ABCA4 gene. It does not directly change the encoded amino acid sequence of the ABCA4 protein.

Illumina Laboratory Services, Illumina
Classification: Uncertain significance for ABCA4-Related Disorders. Last evaluated: 2018-01-13. Review status: criteria provided, single submitter. Criteria: ICSL Variant Classification Criteria 13 December 2019. Collection method: clinical testing. Allele origin: germline.

Institute of Human Genetics, Univ. Regensburg, Univ. Regensburg
Classification: Uncertain significance for Severe early-childhood-onset retinal dystrophy. Last evaluated: 2016-01-01. Review status: criteria provided, single submitter. Criteria: Schulz et al. (Invest Ophthalmol Vis Sci. 2017). Collection method: clinical testing. Allele origin: germline. Affected: yes. Observed: 1 heterozygote.

Institute of Human Genetics, Univ. Regensburg, Univ. Regensburg
Classification: Uncertain significance for Retinal dystrophy. Last evaluated: 2014-01-01. Review status: criteria provided, single submitter. Criteria: ACMG Guidelines, 2015. Collection method: clinical testing. Allele origin: germline. Affected: yes.

Literature cited by the submitters: PubMed 29162642 (cited by Labcorp Genetics (formerly Invitae), Labcorp); PubMed 28118664 (cited by Labcorp Genetics (formerly Invitae), Labcorp and Institute of Human Genetics, Univ. Regensburg, Univ. Regensburg); PubMed 2916264 (cited by Institute of Human Genetics, Univ. Regensburg, Univ. Regensburg).